The following is an entry in ClinVar:

NM_014994.3(MAPKBP1):c.660G>A (p.Leu220=)

Gene: MAPKBP1 (mitogen-activated protein kinase binding protein 1; plus strand). Cytogenetic location: 15q15.1.
Variant type: single nucleotide variant.
Coding change: c.660G>A on transcript NM_014994.3 (MANE Select); coding-DNA position 660, G replaced by A.
Protein change: p.Leu220=; no amino-acid change (leucine 220 retained).
Molecular consequence: synonymous variant. On other transcripts: non-coding transcript variant (2).
Genome position (GRCh38, 1-based): chr15:41,812,942, G>A. VCF-style: chr15-41812942-G-A. GRCh37 (hg19) VCF-style: chr15-42105140-G-A.
Other names: c.660G>A, p.Leu220= (NM_001128608.2, NM_001265611.2); c.660G>A (NM_001128608.1).
Identifiers: ClinVar variation 1445440 (VCV001445440.9), dbSNP rs532004742, ClinGen allele CA7497620.

ClinVar aggregate classification (germline): Uncertain significance. Review status: criteria provided, multiple submitters, no conflicts (2 of 4 stars). 2 submissions from 2 submitters: Uncertain significance (2). Last evaluated 2025-07-02.

Conditions:
MAPKBP1-related disorder. Also called: MAPKBP1-related condition.

Allele frequency attached by ClinVar (database versions not stated): gnomAD 0.00003; ExAC 0.00005; gnomAD exomes 0.00006 and 0.00008; TOPMed 0.00006.
gnomAD v4.1: 89 of 1,606,996 alleles (0.0055%); highest among the groups gnomAD compares: Admixed American, 0.02%; no homozygotes.

Submissions (2):

PreventionGenetics, part of Exact Sciences
Classification: Uncertain significance for MAPKBP1-related condition. Last evaluated: 2025-07-02. Review status: criteria provided, single submitter. Criteria: ACMG Guidelines, 2015. Collection method: clinical testing. Allele origin: germline.
Comment: The MAPKBP1 c.660G>A variant is not predicted to result in an amino acid change (p.=). To our knowledge, this variant has not been reported in the literature. This variant is predicted to alter splicing based on available splicing prediction programs (SpliceAI, Jaganathan et al. 2019. PubMed ID: 30661751). This variant is reported in 0.032% of alleles in individuals of Latino descent in gnomAD. At this time, the clinical significance of this variant is uncertain due to the absence of conclusive functional and genetic evidence.

Labcorp Genetics (formerly Invitae), Labcorp
Classification: Uncertain significance. Last evaluated: 2021-07-26. Review status: criteria provided, single submitter. Criteria: Invitae Variant Classification Sherloc (09022015). Collection method: clinical testing. Allele origin: germline.
Comment: In summary, the available evidence is currently insufficient to determine the role of this variant in disease. Therefore, it has been classified as a Variant of Uncertain Significance. This sequence change affects codon 220 of the MAPKBP1 mRNA. It is a 'silent' change, meaning that it does not change the encoded amino acid sequence of the MAPKBP1 protein. This variant is present in population databases (rs532004742, ExAC 0.02%). This variant has not been reported in the literature in individuals with MAPKBP1-related conditions. Algorithms developed to predict the effect of sequence changes on RNA splicing suggest that this variant may create or strengthen a splice site, but this prediction has not been confirmed by published transcriptional studies.